The following is an entry in ClinVar:

ClinVar aggregate classification (germline): Likely benign (1 of 4 stars; one submission).

Allele frequency attached by ClinVar (database versions not stated): 1000 Genomes Project 0.00020; 1000 Genomes Project 30x 0.00031.

Submission:

CeGaT Center for Human Genetics Tuebingen
Classification: Likely benign. Last evaluated: 2022-05-01. Review status: criteria provided, single submitter. Criteria: CeGaT Center For Human Genetics Tuebingen Variant Classification Criteria Version 2. Collection method: clinical testing. Allele origin: germline. Affected: yes. Observed: 1 variant allele.
Comment: AHNAK2: BP4, BP7

NM_138420.4(AHNAK2):c.8391G>T (p.Gly2797=)

Gene: AHNAK2 (AHNAK nucleoprotein 2; minus strand). Cytogenetic location: 14q32.33.
Variant type: single nucleotide variant.
Coding change: c.8391G>T on transcript NM_138420.4 (MANE Select); coding-DNA position 8391, G replaced by T.
Protein change: p.Gly2797=; no amino-acid change (glycine 2797 retained).
Molecular consequence: synonymous variant.
Genome position (GRCh38, 1-based): chr14:104,947,060, C>A on the plus strand (G>T on the coding strand, the complement: AHNAK2 is on the minus strand). VCF-style: chr14-104947060-C-A. GRCh37 (hg19) VCF-style: chr14-105413397-C-A.
Other names: c.8091G>T, p.Gly2697= (NM_001350929.2).
Identifiers: ClinVar variation 2644705 (VCV002644705.24), dbSNP rs555631969, ClinGen allele CA7380125.
Genomic context (GRCh38, chr14:104,947,060, plus strand): 5'-CTTGGGCATTTTGAACTTGCTGTCTTTGGCTGTCATGCCCTTGTCGGCCAGGGACAGGTC[C>A]CCCTCCAGCCGCGCACCATCCAGCTTTGCTCTCGGGGCCTGGACGTCCACCTCCATGCTG-3'
Protein context (NP_612429.2, residues 2787-2807): RAKLDGARLE[Gly2797=]DLSLADKGMT